The following is an entry in ClinVar:

NM_138386.3(NAF1):c.439A>G (p.Ile147Val)

Gene: NAF1 (nuclear assembly factor 1 ribonucleoprotein; minus strand). Cytogenetic location: 4q32.2.
Variant type: single nucleotide variant.
Coding change: c.439A>G on transcript NM_138386.3 (MANE Select); coding-DNA position 439, A replaced by G.
Protein change: p.Ile147Val; replaces isoleucine 147 with valine.
Molecular consequence: missense variant.
Genome position (GRCh38, 1-based): chr4:163,164,318, T>C on the plus strand (A>G on the coding strand, the complement: NAF1 is on the minus strand). VCF-style: chr4-163164318-T-C. GRCh37 (hg19) VCF-style: chr4-164085470-T-C.
Other names: p.Ile147Val; c.439A>G, p.Ile147Val (NM_001128931.2); short protein forms I147V.
Identifiers: ClinVar variation 2045119 (VCV002045119.5), dbSNP rs34283388, ClinGen allele CA3126358.
Genomic context (GRCh38, chr4:163,164,318, plus strand): 5'-TATTTTCCTTCTCAATTTGTAAATCATCATCTCCATCTGACAGCACTGGAGGAAGTGATA[T>C]ACAAGAGGAAGAAGACGACGATGAGGAAGATGAAGAGGAAGACGATGAACTTGAACTATC-3'
Protein context (NP_612395.2, residues 137-157): SSSSSSSSSC[Ile147Val]SLPPVLSDGD

ClinVar aggregate classification (germline): Benign. Review status: criteria provided, multiple submitters, no conflicts (2 of 4 stars). 2 submissions from 2 submitters: Benign (2). Last evaluated 2026-01-28.

Allele frequency attached by ClinVar (database versions not stated): gnomAD exomes 0.00085; ExAC 0.00328; gnomAD 0.00933; 1000 Genomes Project 0.00998; ESP Exome Variant Server 0.01046; TOPMed 0.01081; 1000 Genomes Project 30x 0.01093.
gnomAD v4.1: 2,727 of 1,602,504 alleles (0.17%); highest among the groups gnomAD compares: African/African-American, 3.2%; 52 homozygotes.

Submissions (2):

Labcorp Genetics (formerly Invitae), Labcorp
Classification: Benign. Last evaluated: 2026-01-28. Review status: criteria provided, single submitter. Criteria: Invitae Variant Classification Sherloc (09022015). Collection method: clinical testing. Allele origin: germline.

Mayo Clinic Laboratories, Mayo Clinic
Classification: Benign. Last evaluated: 2025-07-02. Review status: criteria provided, single submitter. Criteria: ACMG Guidelines, 2015. Collection method: clinical testing. Allele origin: germline. Observed: 2 variant alleles.
Comment: BA1, BS2, BP4_moderate